The following is an entry in ClinVar:

NM_147127.5(EVC2):c.2421G>T (p.Arg807Ser)

Gene: EVC2 (EvC ciliary complex subunit 2; minus strand). Cytogenetic location: 4p16.2.
Variant type: single nucleotide variant.
Coding change: c.2421G>T on transcript NM_147127.5 (MANE Select); coding-DNA position 2421, G replaced by T.
Protein change: p.Arg807Ser; replaces arginine 807 with serine.
Molecular consequence: missense variant.
Genome position (GRCh38, 1-based): chr4:5,622,617, C>A on the plus strand (G>T on the coding strand, the complement: EVC2 is on the minus strand). VCF-style: chr4-5622617-C-A. GRCh37 (hg19) VCF-style: chr4-5624344-C-A.
Other names: c.2181G>T, p.Arg727Ser (NM_001166136.2); short protein forms R727S, R807S.
Identifiers: ClinVar variation 3761246 (VCV003761246.2).

ClinVar aggregate classification (germline): Uncertain significance (1 of 4 stars; one submission).

Conditions:
Curry-Hall syndrome (WAD). Also called: WEYERS ACRODENTAL DYSOSTOSIS. Identifiers: Orphanet 952, MedGen C0457013, MONDO:0008673, OMIM 193530.
Ellis-van Creveld syndrome (EVC). Also called: EVC-Related Ellis-van Creveld Syndrome; EVC2-Related Ellis-van Creveld Syndrome; MESOECTODERMAL DYSPLASIA; Chondroectodermal dysplasia. Identifiers: Orphanet 289, MedGen C0013903, MONDO:0009162, OMIM 225500.

gnomAD v4.1: 66 of 1,613,932 alleles (0.0041%); highest among the groups gnomAD compares: South Asian, 0.015%; no homozygotes.

Submission:

Labcorp Genetics (formerly Invitae), Labcorp
Classification: Uncertain significance for Curry-Hall syndrome; Ellis-van Creveld syndrome. Last evaluated: 2024-10-07. Review status: criteria provided, single submitter. Criteria: Invitae Variant Classification Sherloc (09022015). Collection method: clinical testing. Allele origin: germline.
Comment: This sequence change replaces arginine, which is basic and polar, with serine, which is neutral and polar, at codon 807 of the EVC2 protein (p.Arg807Ser). This variant is present in population databases (rs771884323, gnomAD 0.01%). This variant has not been reported in the literature in individuals affected with EVC2-related conditions. An algorithm developed to predict the effect of missense changes on protein structure and function (PolyPhen-2) suggests that this variant is likely to be disruptive. In summary, the available evidence is currently insufficient to determine the role of this variant in disease. Therefore, it has been classified as a Variant of Uncertain Significance.